The following is an entry in ClinVar:

ClinVar aggregate classification (germline): Uncertain significance (1 of 4 stars; one submission).

Allele frequency attached by ClinVar (database versions not stated): gnomAD exomes below 0.00001.
gnomAD v4.1: 1 of 1,595,876 alleles (0.000063%); highest among the groups gnomAD compares: Non-Finnish European, 0.000085%; no homozygotes.

Submission:

Ambry Genetics
Classification: Uncertain significance. Last evaluated: 2022-02-26. Review status: criteria provided, single submitter. Criteria: Ambry Variant Classification Scheme 2023. Collection method: clinical testing. Allele origin: germline.
Comment: The p.G12D variant (also known as c.35G>A), located in coding exon 1 of the FAM175A gene, results from a G to A substitution at nucleotide position 35. The glycine at codon 12 is replaced by aspartic acid, an amino acid with similar properties. This amino acid position is conserved. In addition, this alteration is predicted to be deleterious by in silico analysis. Since supporting evidence is limited at this time, the clinical significance of this alteration remains unclear.

NM_139076.3(ABRAXAS1):c.35G>A (p.Gly12Asp)

Genes: ABRAXAS1 (abraxas 1, BRCA1 A complex subunit; minus strand), LOC129992784 (ATAC-STARR-seq lymphoblastoid silent region 15542; plus strand). Cytogenetic location: 4q21.23.
Variant type: single nucleotide variant.
Coding change: c.35G>A on transcript NM_139076.3 (MANE Select); coding-DNA position 35, G replaced by A.
Protein change: p.Gly12Asp; replaces glycine 12 with aspartic acid.
Molecular consequence: missense variant. On other transcripts: 5 prime UTR variant (1).
Genome position (GRCh38, 1-based): chr4:83,485,038, C>T on the plus strand (G>A on the coding strand, the complement: ABRAXAS1 is on the minus strand). VCF-style: chr4-83485038-C-T. GRCh37 (hg19) VCF-style: chr4-84406191-C-T.
Other names: c.-226G>A (NM_001345962.2); short protein forms G12D.
Identifiers: ClinVar variation 1799606 (VCV001799606.2), dbSNP rs1218090305, ClinGen allele CA357264036.
Genomic context (GRCh38, chr4:83,485,038, plus strand): 5'-CGGCTCACCGTGTCCGAGTCCGTGTTGAGGTGCTGGAAAGCGAGTGCGCCGAGCACAAAG[C>T]CCGAGAGCACCGCCGACGTACTCTCCCCCTCCATGCTACCGCCGCCTCAGGCTACACAAG-3'
Protein context (NP_620775.2, residues 2-22): EGESTSAVLS[Gly12Asp]FVLGALAFQH